The following is an entry in ClinVar:

NM_006440.5(TXNRD2):c.14C>G (p.Ala5Gly)

Genes: COMT (catechol-O-methyltransferase; plus strand), TXNRD2 (thioredoxin reductase 2; minus strand). Cytogenetic location: 22q11.21.
Variant type: single nucleotide variant.
Coding change: c.14C>G on transcript NM_006440.5 (MANE Select); coding-DNA position 14, C replaced by G.
Protein change: p.Ala5Gly; replaces alanine 5 with glycine.
Molecular consequence: missense variant. On other transcripts: non-coding transcript variant (1), 5 prime UTR variant (2).
Genome position (GRCh38, 1-based): chr22:19,941,790, G>C on the plus strand (C>G on the coding strand, the complement: TXNRD2 is on the minus strand). VCF-style: chr22-19941790-G-C. GRCh37 (hg19) VCF-style: chr22-19929313-G-C.
Other names: c.14C>G, p.Ala5Gly (NM_001282512.3, NM_001352300.2); c.-199G>C (NM_000754.4); c.-493G>C (NM_001362828.2); short protein forms A5G.
Identifiers: ClinVar variation 2061846 (VCV002061846.4), dbSNP rs775392322, ClinGen allele CA410700157.

ClinVar aggregate classification (germline): Uncertain significance (1 of 4 stars; one submission).

Conditions:
Primary dilated cardiomyopathy (DCM). Also called: Dilated Cardiomyopathy. Identifiers: Orphanet 217604, MedGen C0007193, MeSH D002311, MONDO:0005021, HP:0001644. Inheritance: Various modes of inheritance.

gnomAD v4.1: 20 of 1,532,582 alleles (0.0013%); highest among the groups gnomAD compares: East Asian, 0.0053%; no homozygotes.

Submission:

Labcorp Genetics (formerly Invitae), Labcorp
Classification: Uncertain significance for Primary dilated cardiomyopathy. Last evaluated: 2025-05-11. Review status: criteria provided, single submitter. Criteria: Invitae Variant Classification Sherloc (09022015). Collection method: clinical testing. Allele origin: germline.
Comment: This sequence change replaces alanine, which is neutral and non-polar, with glycine, which is neutral and non-polar, at codon 5 of the TXNRD2 protein (p.Ala5Gly). This variant is present in population databases (no rsID available, gnomAD 0.06%). This variant has not been reported in the literature in individuals affected with TXNRD2-related conditions. ClinVar contains an entry for this variant (Variation ID: 2061846). An algorithm developed to predict the effect of missense changes on protein structure and function (PolyPhen-2) suggests that this variant is likely to be tolerated. In summary, the available evidence is currently insufficient to determine the role of this variant in disease. Therefore, it has been classified as a Variant of Uncertain Significance.